The following is an entry in ClinVar:

NM_001378609.3(OTOGL):c.5647G>A (p.Gly1883Ser)

Gene: OTOGL (otogelin like; plus strand). Cytogenetic location: 12q21.31.
Variant type: single nucleotide variant.
Coding change: c.5647G>A on transcript NM_001378609.3 (MANE Select); coding-DNA position 5647, G replaced by A.
Protein change: p.Gly1883Ser; replaces glycine 1883 with serine.
Molecular consequence: missense variant.
Genome position (GRCh38, 1-based): chr12:80,355,789, G>A. VCF-style: chr12-80355789-G-A. GRCh37 (hg19) VCF-style: chr12-80749569-G-A.
Other names: c.5512G>A, p.Gly1838Ser (NM_001368062.3); c.5647G>A, p.Gly1883Ser (NM_001378610.3, NM_173591.7); short protein forms G1838S, G1883S.
Identifiers: ClinVar variation 3252597 (VCV003252597.3), dbSNP rs373400195.

ClinVar aggregate classification (germline): Uncertain significance. Review status: criteria provided, multiple submitters, no conflicts (2 of 4 stars). 2 submissions from 2 submitters: Uncertain significance (2). Last evaluated 2026-03-12.

Conditions:
Inborn genetic diseases. Identifiers: MedGen C0950123, MeSH D030342.

Allele frequency attached by ClinVar (database versions not stated): ESP Exome Variant Server 0.00017; ExAC 0.00003; TOPMed 0.00003; gnomAD 0.00004.
gnomAD v4.1: 44 of 1,613,612 alleles (0.0027%); highest among the groups gnomAD compares: Non-Finnish European, 0.0036%; no homozygotes.

Submissions (2):

GeneDx
Classification: Uncertain significance. Last evaluated: 2026-03-12. Review status: criteria provided, single submitter. Criteria: GeneDx Variant Classification Process June 2021. Collection method: clinical testing. Allele origin: germline.
Comment: In silico analysis suggests that this missense variant does not alter protein structure/function; Has not been previously published as pathogenic or benign to our knowledge

Ambry Genetics
Classification: Uncertain significance for Inborn genetic diseases. Last evaluated: 2025-07-31. Review status: criteria provided, single submitter. Criteria: Ambry Variant Classification Scheme 2023. Collection method: clinical testing. Allele origin: germline.